The following is an entry in ClinVar:

NM_016373.4(WWOX):c.231-11C>G

Gene: WWOX (WW domain containing oxidoreductase; plus strand). Cytogenetic location: 16q23.1.
Variant type: single nucleotide variant.
Coding change: c.231-11C>G on transcript NM_016373.4 (MANE Select); 11 bases into the intron before coding-DNA position 231, C replaced by G.
Molecular consequence: intron variant.
Genome position (GRCh38, 1-based): chr16:78,114,965, C>G. VCF-style: chr16-78114965-C-G. GRCh37 (hg19) VCF-style: chr16-78148862-C-G.
Other names: c.-109-11C>G (NM_001291997.2); c.231-11C>G (NM_130791.5).
Identifiers: ClinVar variation 513315 (VCV000513315.9), dbSNP rs372011945, ClinGen allele CA8183122.

ClinVar aggregate classification (germline): Likely benign. Review status: criteria provided, multiple submitters, no conflicts (2 of 4 stars). 2 submissions from 2 submitters: Likely benign (2). Last evaluated 2023-01-24.

Conditions:
Developmental and epileptic encephalopathy, 1 (DEE1). Also called: X-linked infantile spasms; West's syndrome; Tonic spasms with clustering, arrest of psychomotor development and hypsarrhythmia on EEG; X-Linked Infantile Spasm Syndrome; OHTAHARA SYNDROME, X-LINKED; Epileptic encephalopathy, early infantile, 1. Identifiers: MedGen C3463992, MONDO:0010632, OMIM 308350. Disease mechanism: loss of function.
Autosomal recessive spinocerebellar ataxia 12. Also called: SPINOCEREBELLAR ATAXIA WITH MENTAL RETARDATION AND EPILEPSY. Identifiers: Orphanet 284282, MedGen C3280452, MONDO:0013687, OMIM 614322.

Allele frequency attached by ClinVar (database versions not stated): ExAC 0.00001; gnomAD exomes 0.00001; gnomAD 0.00003 and 0.00004; TOPMed 0.00006; ESP Exome Variant Server 0.00008.
gnomAD v4.1: 16 of 1,614,004 alleles (0.00099%); highest among the groups gnomAD compares: African/African-American, 0.016%; no homozygotes.

Submissions (2):

Labcorp Genetics (formerly Invitae), Labcorp
Classification: Likely benign for Developmental and epileptic encephalopathy, 1; Autosomal recessive spinocerebellar ataxia 12. Last evaluated: 2023-01-24. Review status: criteria provided, single submitter. Criteria: Invitae Variant Classification Sherloc (09022015). Collection method: clinical testing. Allele origin: germline.

GeneDx
Classification: Likely benign. Last evaluated: 2017-11-16. Review status: criteria provided, single submitter. Criteria: GeneDx Variant Classification (06012015). Collection method: clinical testing. Allele origin: germline. Affected: yes.
Comment: This variant is considered likely benign or benign based on one or more of the following criteria: it is a conservative change, it occurs at a poorly conserved position in the protein, it is predicted to be benign by multiple in silico algorithms, and/or has population frequency not consistent with disease.